The following is an entry in ClinVar:

ClinVar aggregate classification (germline): Uncertain significance. Review status: criteria provided, multiple submitters, no conflicts (2 of 4 stars). 4 submissions from 4 submitters: Uncertain significance (4). Last evaluated 2023-10-23.

Conditions:
Cardiovascular phenotype. Identifiers: MedGen CN230736.
Arrhythmogenic right ventricular cardiomyopathy (ARVD). Also called: Cardiomyopathy, ARVC; Arrhythmogenic right ventricular dysplasia; Arrhythmogenic cardiomyopathy; Arrhythmogenic Right Ventricular Cardiomyopathy (ARVC). Identifiers: Orphanet 247, MedGen C0349788, MeSH D019571, MONDO:0016587. Disease mechanism: loss of function. Inheritance: Various modes of inheritance.
Arrhythmogenic right ventricular dysplasia 9 (ARVD9). Also called: Arrhythmogenic Right Ventricular Dysplasia/Cardiomyopathy 9; ARRHYTHMOGENIC RIGHT VENTRICULAR DYSPLASIA, FAMILIAL, 9. Identifiers: MedGen C1836906, MONDO:0012180, OMIM 609040.

Allele frequency attached by ClinVar (database versions not stated): TOPMed below 0.00001; gnomAD 0.00001; gnomAD exomes 0.00001.
gnomAD v4.1: 5 of 1,589,104 alleles (0.00031%); highest among the groups gnomAD compares: Non-Finnish European, 0.00043%; no homozygotes.

Submissions (4):

All of Us Research Program, National Institutes of Health
Classification: Uncertain significance for Arrhythmogenic right ventricular cardiomyopathy. Last evaluated: 2023-10-23. Review status: criteria provided, single submitter. Criteria: ACMG Guidelines, 2015. Collection method: clinical testing. Allele origin: germline. Inheritance: Autosomal dominant inheritance. Observed: 2 variant alleles, 2 heterozygotes.
Comment: This missense variant replaces glutamic acid with glycine at codon 58 of the PKP2 protein. Computational prediction suggests that this variant may not impact protein structure and function (internally defined REVEL score threshold <= 0.5, PMID: 27666373). To our knowledge, functional studies have not been reported for this variant. This variant has not been reported in individuals affected with PKP2-related disorders in the literature. This variant has not been identified in the general population by the Genome Aggregation Database (gnomAD). The available evidence is insufficient to determine the role of this variant in disease conclusively. Therefore, this variant is classified as a Variant of Uncertain Significance.

This study involves interpretation of variants in research participants for the purpose of population health screening. Participant phenotype was not available at the time of variant classification. Additional details can be found in publication PMID: 35346344, PMCID: PMC8962531

Labcorp Genetics (formerly Invitae), Labcorp
Classification: Uncertain significance for Arrhythmogenic right ventricular dysplasia 9. Last evaluated: 2023-09-29. Review status: criteria provided, single submitter. Criteria: Invitae Variant Classification Sherloc (09022015). Collection method: clinical testing. Allele origin: germline.
Comment: In summary, the available evidence is currently insufficient to determine the role of this variant in disease. Therefore, it has been classified as a Variant of Uncertain Significance. An algorithm developed to predict the effect of missense changes on protein structure and function (PolyPhen-2) suggests that this variant¬¨‚Ä†is likely to be tolerated. ClinVar contains an entry for this variant (Variation ID: 1779151). This variant has not been reported in the literature in individuals affected with PKP2-related conditions. This variant is not present in population databases (gnomAD no frequency). This sequence change replaces glutamic acid, which is acidic and polar, with glycine, which is neutral and non-polar, at codon 58 of the PKP2 protein (p.Glu58Gly).

GeneDx
Classification: Uncertain significance. Last evaluated: 2023-07-06. Review status: criteria provided, single submitter. Criteria: GeneDx Variant Classification Process June 2021. Collection method: clinical testing. Allele origin: germline. Affected: yes.
Comment: Not observed at significant frequency in large population cohorts (gnomAD); In silico analysis supports that this missense variant has a deleterious effect on protein structure/function; Has not been previously published as pathogenic or benign to our knowledge

Ambry Genetics
Classification: Uncertain significance for Cardiovascular phenotype. Last evaluated: 2022-07-11. Review status: criteria provided, single submitter. Criteria: Ambry Variant Classification Scheme 2023. Collection method: clinical testing. Allele origin: germline.
Comment: The p.E58G variant (also known as c.173A>G), located in coding exon 1 of the PKP2 gene, results from an A to G substitution at nucleotide position 173. The glutamic acid at codon 58 is replaced by glycine, an amino acid with similar properties. This amino acid position is conserved. In addition, the in silico prediction for this alteration is inconclusive. Since supporting evidence is limited at this time, the clinical significance of this alteration remains unclear.

NM_001005242.3(PKP2):c.173A>G (p.Glu58Gly)

Gene: PKP2 (plakophilin 2; minus strand). Cytogenetic location: 12p11.21.
Variant type: single nucleotide variant.
Coding change: c.173A>G on transcript NM_001005242.3 (MANE Select); coding-DNA position 173, A replaced by G.
Protein change: p.Glu58Gly; replaces glutamic acid 58 with glycine.
Molecular consequence: missense variant.
Genome position (GRCh38, 1-based): chr12:32,896,559, T>C on the plus strand (A>G on the coding strand, the complement: PKP2 is on the minus strand). VCF-style: chr12-32896559-T-C. GRCh37 (hg19) VCF-style: chr12-33049493-T-C.
Other names: c.173A>G, p.Glu58Gly (NM_001407155.1, NM_001407156.1, NM_001407157.1 and 2 more transcripts); c.-654A>G (NM_001407158.1, NM_001407162.1); c.-418A>G (NM_001407159.1, NM_001407160.1); short protein forms E58G.
Identifiers: ClinVar variation 1779151 (VCV001779151.6), dbSNP rs982429227, ClinGen allele CA235280626.